The following is an entry in ClinVar:

NM_001165963.4(SCN1A):c.914T>A (p.Ile305Lys)

Gene: SCN1A (sodium voltage-gated channel alpha subunit 1; minus strand). Cytogenetic location: 2q24.3.
Variant type: single nucleotide variant.
Coding change: c.914T>A on transcript NM_001165963.4 (MANE Select); coding-DNA position 914, T replaced by A.
Protein change: p.Ile305Lys; replaces isoleucine 305 with lysine.
Molecular consequence: missense variant. On other transcripts: 5 prime UTR variant (1), non-coding transcript variant (1).
Genome position (GRCh38, 1-based): chr2:166,051,769, A>T on the plus strand (T>A on the coding strand, the complement: SCN1A is on the minus strand). VCF-style: chr2-166051769-A-T. GRCh37 (hg19) VCF-style: chr2-166908279-A-T.
Other names: c.914T>A, p.Ile305Lys (NM_001165964.3, NM_001202435.3, NM_001353948.2 and 10 more transcripts); c.-1512T>A (NM_001353961.2); short protein forms I305K.
Identifiers: ClinVar variation 3390466 (VCV003390466.1).

ClinVar aggregate classification (germline): Uncertain significance. Review status: criteria provided, multiple submitters, no conflicts (2 of 4 stars). 2 submissions from 2 submitters: Uncertain significance (2). Last evaluated 2024-06-14.

Conditions:
Generalized epilepsy with febrile seizures plus, type 2 (GEFSP2). Also called: GEFS+, TYPE 2. Identifiers: Orphanet 36387, MedGen C1858673, MONDO:0011461, OMIM 604403.

Submissions (2):

GeneDx
Classification: Uncertain significance. Last evaluated: 2024-06-14. Review status: criteria provided, single submitter. Criteria: GeneDx Variant Classification Process June 2021. Collection method: clinical testing. Allele origin: germline. Affected: yes.
Comment: Not observed at significant frequency in large population cohorts (gnomAD); This substitution is predicted to be within the extracellular loop between the S5 and S6 transmembrane segments of the first homologous domain; In silico analysis indicates that this missense variant does not alter protein structure/function; Has not been previously published as pathogenic or benign to our knowledge

Neuberg Centre For Genomic Medicine, NCGM
Classification: Uncertain significance for Generalized epilepsy with febrile seizures plus, type 2. Review status: criteria provided, single submitter. Criteria: ACMG Guidelines, 2015. Collection method: clinical testing. Allele origin: germline. Inheritance: Autosomal dominant inheritance. Affected: yes.